The following is an entry in ClinVar:

NM_006059.4(LAMC3):c.326C>T (p.Ala109Val)

Gene: LAMC3 (laminin subunit gamma 3; plus strand). Cytogenetic location: 9q34.12.
Variant type: single nucleotide variant.
Coding change: c.326C>T on transcript NM_006059.4 (MANE Select); coding-DNA position 326, C replaced by T.
Protein change: p.Ala109Val; replaces alanine 109 with valine.
Molecular consequence: missense variant.
Genome position (GRCh38, 1-based): chr9:131,009,540, C>T. VCF-style: chr9-131009540-C-T. GRCh37 (hg19) VCF-style: chr9-133884927-C-T.
Other names: short protein forms A109V.
Identifiers: ClinVar variation 1942322 (VCV001942322.4), dbSNP rs776402027, ClinGen allele CA5286652.

ClinVar aggregate classification (germline): Uncertain significance (1 of 4 stars; one submission).

Allele frequency attached by ClinVar (database versions not stated): TOPMed 0.00003; gnomAD 0.00004; ExAC 0.00006.
gnomAD v4.1: 10 of 1,565,832 alleles (0.00064%); highest among the groups gnomAD compares: African/African-American, 0.012%; no homozygotes.

Submission:

Labcorp Genetics (formerly Invitae), Labcorp
Classification: Uncertain significance. Last evaluated: 2022-10-17. Review status: criteria provided, single submitter. Criteria: Invitae Variant Classification Sherloc (09022015). Collection method: clinical testing. Allele origin: germline.
Comment: In summary, the available evidence is currently insufficient to determine the role of this variant in disease. Therefore, it has been classified as a Variant of Uncertain Significance. Algorithms developed to predict the effect of missense changes on protein structure and function (SIFT, PolyPhen-2, Align-GVGD) all suggest that this variant is likely to be tolerated. This variant has not been reported in the literature in individuals affected with LAMC3-related conditions. The frequency data for this variant in the population databases is considered unreliable, as metrics indicate poor data quality at this position in the gnomAD database. This sequence change replaces alanine, which is neutral and non-polar, with valine, which is neutral and non-polar, at codon 109 of the LAMC3 protein (p.Ala109Val).